The following is an entry in ClinVar:

ClinVar aggregate classification (germline): Uncertain significance (1 of 4 stars; one submission).

Conditions:
Autosomal recessive limb-girdle muscular dystrophy type 2J (LGMDR10). Also called: Limb-girdle muscular dystrophy, type 2J; MUSCULAR DYSTROPHY, LIMB-GIRDLE, AUTOSOMAL RECESSIVE 10. Identifiers: Orphanet 140922, MedGen C1837342, MONDO:0012127, OMIM 608807.
Dilated cardiomyopathy 1G (CMD1G). Identifiers: Orphanet 154, MedGen C1858763, MONDO:0011400, OMIM 604145.

gnomAD v4.1: 1 of 1,613,958 alleles (0.000062%); highest among the groups gnomAD compares: Admixed American, 0.0017%; no homozygotes.

Submission:

Labcorp Genetics (formerly Invitae), Labcorp
Classification: Uncertain significance for Dilated cardiomyopathy 1G; Autosomal recessive limb-girdle muscular dystrophy type 2J. Last evaluated: 2024-10-10. Review status: criteria provided, single submitter. Criteria: Invitae Variant Classification Sherloc (09022015). Collection method: clinical testing. Allele origin: germline.
Comment: This sequence change replaces alanine, which is neutral and non-polar, with serine, which is neutral and polar, at codon 34502 of the TTN protein (p.Ala34502Ser). This variant is present in population databases (no rsID available, gnomAD 0.003%). This variant has not been reported in the literature in individuals affected with TTN-related conditions. Experimental studies and prediction algorithms are not available or were not evaluated, and the functional significance of this variant is currently unknown. This variant is located in the M band of TTN (PMID: 25589632). Non-truncating variants in this region may be relevant for neuromuscular disorders, but have not been definitively shown to cause cardiomyopathy (PMID: 23975875). In summary, the available evidence is currently insufficient to determine the role of this variant in disease. Therefore, it has been classified as a Variant of Uncertain Significance.

Literature cited by the submitters: PubMed 25589632; PubMed 23975875.

NM_001267550.2(TTN):c.103504G>T (p.Ala34502Ser)

Genes: TTN-AS1 (TTN antisense RNA 1; plus strand), TTN (titin; minus strand). Cytogenetic location: 2q31.2.
Variant type: single nucleotide variant.
Coding change: c.103504G>T on transcript NM_001267550.2 (MANE Select); coding-DNA position 103504, G replaced by T.
Protein change: p.Ala34502Ser; replaces alanine 34502 with serine.
Molecular consequence: missense variant.
Genome position (GRCh38, 1-based): chr2:178,533,111, C>A on the plus strand (G>T on the coding strand, the complement: TTN is on the minus strand). VCF-style: chr2-178533111-C-A. GRCh37 (hg19) VCF-style: chr2-179397838-C-A.
Other names: c.98581G>T, p.Ala32861Ser (NM_001256850.1); c.76309G>T, p.Ala25437Ser (NM_003319.4); c.95800G>T, p.Ala31934Ser (NM_133378.4); c.76684G>T, p.Ala25562Ser (NM_133432.3); c.76885G>T, p.Ala25629Ser (NM_133437.4); short protein forms A25437S, A25562S, A25629S, A31934S, A32861S, A34502S.
Identifiers: ClinVar variation 3763217 (VCV003763217.2).